The following is an entry in ClinVar:

NM_004036.5(ADCY3):c.3133_3134dup (p.Asn1045fs)

Genes: CENPO (centromere protein O; plus strand), ADCY3 (adenylate cyclase 3; minus strand). Cytogenetic location: 2p23.3.
Variant type: Duplication.
Coding change: c.3133_3134dup on transcript NM_004036.5 (MANE Select); coding-DNA positions 3133 to 3134, 2 bases duplicated (AA; older notation c.3133_3134dupAA).
Protein change: p.Asn1045fs; shifts the reading frame from asparagine 1045.
Molecular consequence: frameshift variant. On other transcripts: 3 prime UTR variant (3), non-coding transcript variant (3).
Genome position (GRCh38, 1-based): chr2:24,820,842-24,820,843, TT duplicated on the plus strand (AA on the coding strand, the reverse complement: ADCY3 is on the minus strand). VCF-style (leftmost placement, unchanged base first): chr2-24820841-G-GTT. GRCh37 (hg19) VCF-style: chr2-25043710-G-GTT.
Other names: c.3136_3137dup, p.Asn1046fs (NM_001320613.2); c.3199_3200dup, p.Asn1067fs (NM_001377128.1); c.2995_2996dup, p.Asn999fs (NM_001377129.1); c.2581_2582dup, p.Asn861fs (NM_001377130.1); c.2410_2411dup, p.Asn804fs (NM_001377131.1); c.3133_3134dup, p.Asn1045fs (NM_001377132.1); c.*1524_*1525dup (NM_001199803.3, NM_001322101.2, NM_024322.4); c.3133_3134dup (NM_004036.4); short protein forms N1045fs, N1046fs, N1067fs, N804fs, N861fs, N999fs.
Identifiers: ClinVar variation 3356696 (VCV003356696.3).

ClinVar aggregate classification (germline): Uncertain significance. Review status: criteria provided, single submitter (1 of 4 stars). 2 submissions from 2 submitters: Uncertain significance (1). 1 of the submissions does not count toward it. Last evaluated 2025-11-12.

Conditions:
ADCY3-related disorder. Also called: ADCY3-related condition.

Submissions (2):

GeneDx
Classification: Uncertain significance. Last evaluated: 2025-11-12. Review status: criteria provided, single submitter. Criteria: GeneDx Variant Classification Process June 2021. Collection method: clinical testing. Allele origin: germline.
Comment: Not observed at significant frequency in large population cohorts (gnomAD); Has not been previously published as pathogenic or benign to our knowledge; Frameshift variant predicted to result in abnormal protein length as the last 100 amino acid(s) are replaced with 26 different amino acid(s) with an unclear effect on protein function

PreventionGenetics, part of Exact Sciences
Classification: Likely pathogenic for ADCY3-related condition. Last evaluated: 2024-05-31. Review status: no assertion criteria provided. Collection method: clinical testing. Allele origin: germline. Not counted in ClinVar's aggregate classification.
Comment: The ADCY3 c.3136_3137dupAA variant is predicted to result in a frameshift and premature protein termination (p.Asn1046Lysfs*27). To our knowledge, this variant has not been reported in the literature or in gnomAD, indicating this variant is rare. Frameshift variants in ADCY3 are expected to be pathogenic. This variant is interpreted as likely pathogenic.